The following is an entry in ClinVar:

NM_004614.5(TK2):c.561G>T (p.Glu187Asp)

Gene: TK2 (thymidine kinase 2; minus strand). Cytogenetic location: 16q21.
Variant type: single nucleotide variant.
Coding change: c.561G>T on transcript NM_004614.5 (MANE Select); coding-DNA position 561, G replaced by T.
Protein change: p.Glu187Asp; replaces glutamic acid 187 with aspartic acid.
Molecular consequence: missense variant. On other transcripts: non-coding transcript variant (1), intron variant (1).
Genome position (GRCh38, 1-based): chr16:66,517,193, C>A on the plus strand (G>T on the coding strand, the complement: TK2 is on the minus strand). VCF-style: chr16-66517193-C-A. GRCh37 (hg19) VCF-style: chr16-66551096-C-A.
Other names: c.468G>T, p.Glu156Asp (NM_001172643.1); c.486G>T, p.Glu162Asp (NM_001172644.2); c.507G>T, p.Glu169Asp (NM_001172645.2); c.414G>T, p.Glu138Asp (NM_001271934.2); c.270G>T, p.Glu90Asp (NM_001272050.2); c.357-3382G>T (NM_001271935.1); short protein forms E162D, E156D, E90D, E138D, E169D, E187D.
Identifiers: ClinVar variation 1504432 (VCV001504432.6), dbSNP rs781460567, ClinGen allele CA396187757.
Genomic context (GRCh38, chr16:66,517,193, plus strand): 5'-TACCAGCGGAATGACCTTCTCCTCTTCCCTGCATCTCTTCTTTAACCTCTGGTAACAAGT[C>A]TCAGGATTGGTCCGAAGGTAAACTGAGGTTAAAAGAATACGTGGCTCTCAGGACTCTGCT-3'
Protein context (NP_004605.4, residues 177-197): DLIVYLRTNP[Glu187Asp]TCYQRLKKRC

ClinVar aggregate classification (germline): Uncertain significance (1 of 4 stars; one submission).

gnomAD v4.1: 3 of 1,614,168 alleles (0.00019%); highest among the groups gnomAD compares: Admixed American, 0.005%; no homozygotes.

Submission:

Labcorp Genetics (formerly Invitae), Labcorp
Classification: Uncertain significance. Last evaluated: 2026-01-19. Review status: criteria provided, single submitter. Criteria: Invitae Variant Classification Sherloc (09022015). Collection method: clinical testing. Allele origin: germline.
Comment: This sequence change replaces glutamic acid, which is acidic and polar, with aspartic acid, which is acidic and polar, at codon 187 of the TK2 protein (p.Glu187Asp). This variant is present in population databases (no rsID available, gnomAD 0.003%). This variant has not been reported in the literature in individuals affected with TK2-related conditions. ClinVar contains an entry for this variant (Variation ID: 1504432). Invitae Evidence Modeling of protein sequence and biophysical properties (such as structural, functional, and spatial information, amino acid conservation, physicochemical variation, residue mobility, and thermodynamic stability) has been performed for this missense variant. However, the output from this modeling did not meet the statistical confidence thresholds required to predict the impact of this variant on TK2 protein function. In summary, the available evidence is currently insufficient to determine the role of this variant in disease. Therefore, it has been classified as a Variant of Uncertain Significance.